The following is an entry in ClinVar:

ClinVar aggregate classification (germline): Uncertain significance (1 of 4 stars; one submission).

Conditions:
Familial thoracic aortic aneurysm and aortic dissection (TAAD). Also called: Thoracic aortic aneurysms and dissections. Identifiers: Orphanet 91387, MedGen C4707243, MONDO:0019625.

Submission:

Ambry Genetics
Classification: Uncertain significance for Familial thoracic aortic aneurysm and aortic dissection. Last evaluated: 2025-12-18. Review status: criteria provided, single submitter. Criteria: Ambry Variant Classification Scheme 2023. Collection method: clinical testing. Allele origin: germline.
Comment: The p.T1159I variant (also known as c.3476C>T), located in coding exon 21 of the NOTCH1 gene, results from a C to T substitution at nucleotide position 3476. The threonine at codon 1159 is replaced by isoleucine, an amino acid with similar properties. This amino acid position is well conserved in available vertebrate species. In addition, the in silico prediction for this alteration is inconclusive. Based on the available evidence, the clinical significance of this variant remains unclear.

NM_017617.5(NOTCH1):c.3476C>T (p.Thr1159Ile)

Gene: NOTCH1 (notch receptor 1; minus strand). Cytogenetic location: 9q34.3.
Variant type: single nucleotide variant.
Coding change: c.3476C>T on transcript NM_017617.5 (MANE Select); coding-DNA position 3476, C replaced by T.
Protein change: p.Thr1159Ile; replaces threonine 1159 with isoleucine.
Molecular consequence: missense variant.
Genome position (GRCh38, 1-based): chr9:136,507,989, G>A on the plus strand (C>T on the coding strand, the complement: NOTCH1 is on the minus strand). VCF-style: chr9-136507989-G-A. GRCh37 (hg19) VCF-style: chr9-139402441-G-A.
Other names: short protein forms T1159I.
Identifiers: ClinVar variation 4843308 (VCV004843308.1).